The following is an entry in ClinVar:

ClinVar aggregate classification (germline): Likely benign (0 of 4 stars; one submission).

Conditions:
GNAO1-related disorder. Also called: GNAO1-related condition; GNAO1-Related Disorders. Identifiers: MedGen CN381308.

Allele frequency attached by ClinVar (database versions not stated): gnomAD 0.00001; TOPMed 0.00002.
gnomAD v4.1: 10 of 1,613,652 alleles (0.00062%); highest among the groups gnomAD compares: Non-Finnish European, 0.00085%; no homozygotes.

Submission:

PreventionGenetics, part of Exact Sciences
Classification: Likely benign for GNAO1-related condition. Last evaluated: 2023-02-22. Review status: no assertion criteria provided. Collection method: clinical testing. Allele origin: germline.
Comment: This variant is classified as likely benign based on ACMG/AMP sequence variant interpretation guidelines (Richards et al. 2015 PMID: 25741868, with internal and published modifications).

NM_020988.3(GNAO1):c.723+6985C>A

Gene: GNAO1 (G protein subunit alpha o1; plus strand). Cytogenetic location: 16q13.
Variant type: single nucleotide variant.
Coding change: c.723+6985C>A on transcript NM_020988.3 (MANE Select); 6985 bases into the intron after coding-DNA position 723, C replaced by A.
Molecular consequence: intron variant. On other transcripts: nonsense (1).
Genome position (GRCh38, 1-based): chr16:56,343,845, C>A. VCF-style: chr16-56343845-C-A. GRCh37 (hg19) VCF-style: chr16-56377757-C-A.
Other names: c.960C>A, p.Tyr320Ter (NM_138736.3); short protein forms Y320*.
Identifiers: ClinVar variation 3030082 (VCV003030082.2), dbSNP rs1270323588, ClinGen allele CA395953584.